The following is an entry in ClinVar:

NM_000059.4(BRCA2):c.121C>T (p.Pro41Ser)

Gene: BRCA2 (BRCA2 DNA repair associated; plus strand). Cytogenetic location: 13q13.1.
Variant type: single nucleotide variant.
Coding change: c.121C>T on transcript NM_000059.4 (MANE Select); coding-DNA position 121, C replaced by T.
Protein change: p.Pro41Ser; replaces proline 41 with serine.
Molecular consequence: missense variant.
Genome position (GRCh38, 1-based): chr13:32,319,130, C>T. VCF-style: chr13-32319130-C-T. GRCh37 (hg19) VCF-style: chr13-32893267-C-T.
Other names: p.Pro41Ser; NM_000059.4(BRCA2):c.121C>T; short protein forms P41S.
Identifiers: ClinVar variation 51085 (VCV000051085.64), dbSNP rs80358415, ClinGen allele CA011212.

ClinVar aggregate classification (germline): Benign. Review status: reviewed by expert panel (3 of 4 stars). 13 submissions from 13 submitters: Benign (1). 12 of the submissions do not count toward it. Last evaluated 2025-12-02.

Conditions:
BRCA2-related cancer predisposition. Identifiers: MedGen CN377758, MONDO:0700269.
Hereditary cancer-predisposing syndrome. Also called: Hereditary Cancer Syndrome; Tumor predisposition; Neoplastic Syndromes, Hereditary; Hereditary neoplastic syndrome. Identifiers: Orphanet 140162, MedGen C0027672, MeSH D009386, MONDO:0015356.
Ovarian cancer. Also called: OVARIAN CANCER, SOMATIC. Identifiers: Orphanet 213500, MedGen C1140680, MONDO:0008170, OMIM 167000.
Hereditary breast ovarian cancer syndrome. Also called: Breast and ovarian cancer; BRCA1- and BRCA2-Associated Hereditary Breast and Ovarian Cancer; Hereditary breast and ovarian cancer; Hereditary breast and ovarian cancer syndrome (HBOC); Hereditary breast and ovarian cancer syndrome; Hereditary breast and/or ovarian cancer syndrome. Identifiers: Orphanet 145, MedGen C0677776, MeSH D061325, MONDO:0003582. Disease mechanism: loss of function.
Breast-ovarian cancer, familial, susceptibility to, 2 (BROVCA2). Also called: BRCA2 Hereditary Breast and Ovarian Cancer. Identifiers: Orphanet 145, MedGen C2675520, MONDO:0012933, OMIM 612555. Disease mechanism: loss of function.
Familial cancer of breast. Also called: BREAST CANCER, FAMILIAL; hereditary breast carcinoma; Hereditary breast cancer. Identifiers: Orphanet 227535, MedGen C0346153, MONDO:0016419, OMIM 114480. Disease mechanism: loss of function.

Allele frequency attached by ClinVar (database versions not stated): TOPMed below 0.00001.

Submissions (13):

ClinGen ENIGMA BRCA1 and BRCA2 Variant Curation Expert Panel, ClinGen
Classification: Benign for BRCA2-related cancer predisposition. Last evaluated: 2025-12-02. Review status: reviewed by expert panel. Criteria: CSpec BRCA12ACMG Rules Specifications V1.1. Collection method: curation. Allele origin: germline. Inheritance: Autosomal dominant inheritance.
Comment: The c.121C>T variant in BRCA2 is a missense variant predicted to cause substitution of proline by serine at amino acid 41 (p.Pro41Ser). This variant is absent from gnomAD v4.1 (read depth ≥25) (PM2_Supporting met). This missense variant is located outside of a key functional domain and was not predicted to alter mRNA splicing using SpliceAI (score 0.00, score threshold <0.1) (BP1_Strong met). This is a missense variant outside a key functional domain, and mRNA experimental analysis indicates production of a sufficient amount of wildtype transcript (PMIDs: 30883759 32641407), considered strong evidence against pathogenicity (BP7_Strong (RNA)). In summary, this variant meets the criteria to be classified as a Benign variant for BRCA2-related cancer predisposition based on the ACMG/AMP criteria applied as specified by the ENIGMA BRCA1/2 VCEP (PM2_Supporting, BP1_Strong, BP7_Strong (RNA)).

Color Diagnostics, LLC DBA Color Health
Classification: Uncertain significance for Hereditary cancer-predisposing syndrome. Last evaluated: 2025-11-11. Review status: criteria provided, single submitter. Criteria: ACMG Guidelines, 2015. Collection method: clinical testing. Allele origin: germline. Not counted in ClinVar's aggregate classification.
Comment: This missense variant replaces proline with serine at codon 41 of the BRCA2 protein. Computational prediction tool suggests that this variant may not impact protein structure and function. To our knowledge, functional studies have not been performed for this variant. This variant has been detected in a breast cancer case-control meta-analysis in 1/60466 cases and 1/53461 unaffected individuals (PMID: 33471991LOVD DB-ID BRCA2_003382). Multifactorial analysis reached a likelihood ratio (LR) of 2.084 based on case-control data (PMID: 40413188). This variant has been identified in 1/251254 chromosomes in the general population by the Genome Aggregation Database (gnomAD). The available evidence is insufficient to determine the role of this variant in disease conclusively. Therefore, this variant is classified as a Variant of Uncertain Significance.

Women's Health and Genetics/Laboratory Corporation of America, LabCorp
Classification: Uncertain significance. Last evaluated: 2025-10-17. Review status: criteria provided, single submitter. Criteria: LabCorp Variant Classification Summary - May 2015. Collection method: clinical testing. Allele origin: germline. Not counted in ClinVar's aggregate classification.
Comment: Variant summary: BRCA2 c.121C>T (p.Pro41Ser) results in a non-conservative amino acid change in the encoded protein sequence. Algorithms developed to predict the effect of missense changes on protein structure and function are either unavailable or do not agree on the potential impact of this missense change. The variant allele was found at a frequency of 4e-06 in 251254 control chromosomes. The available data on variant occurrences in the general population are insufficient to allow any conclusion about variant significance. To our knowledge, no occurrence of c.121C>T in individuals affected with BRCA2-related conditions and no experimental evidence demonstrating its impact on protein function have been reported. The following publications have been ascertained in the context of this evaluation (PMID: 30883759, 32641407, 35979650, 17924331). ClinVar contains an entry for this variant (Variation ID: 51085). Based on the evidence outlined above, the variant was classified as uncertain significance.

Labcorp Genetics (formerly Invitae), Labcorp
Classification: Uncertain significance for Hereditary breast ovarian cancer syndrome. Last evaluated: 2025-05-27. Review status: criteria provided, single submitter. Criteria: Invitae Variant Classification Sherloc (09022015). Collection method: clinical testing. Allele origin: germline. Not counted in ClinVar's aggregate classification.
Comment: This sequence change replaces proline, which is neutral and non-polar, with serine, which is neutral and polar, at codon 41 of the BRCA2 protein (p.Pro41Ser). This variant is present in population databases (rs80358415, gnomAD 0.0009%). This variant has not been reported in the literature in individuals affected with BRCA2-related conditions. ClinVar contains an entry for this variant (Variation ID: 51085). Invitae Evidence Modeling of protein sequence and biophysical properties (such as structural, functional, and spatial information, amino acid conservation, physicochemical variation, residue mobility, and thermodynamic stability) indicates that this missense variant is not expected to disrupt BRCA2 protein function with a negative predictive value of 95%. In summary, the available evidence is currently insufficient to determine the role of this variant in disease. Therefore, it has been classified as a Variant of Uncertain Significance.

Center for Genomic Medicine, Rigshospitalet, Copenhagen University Hospital
Classification: Likely benign. Last evaluated: 2025-03-04. Review status: criteria provided, single submitter. Criteria: ACMG Guidelines, 2015. Collection method: clinical testing. Allele origin: germline. Not counted in ClinVar's aggregate classification.

GeneDx
Classification: Uncertain significance. Last evaluated: 2024-10-23. Review status: criteria provided, single submitter. Criteria: GeneDx Variant Classification Process June 2021. Collection method: clinical testing. Allele origin: germline. Affected: yes. Not counted in ClinVar's aggregate classification.
Comment: Identified in individual(s) with breast cancer and also in unaffected control(s) (PMID: 33471991); In silico analysis indicates that this missense variant does not alter protein structure/function; Not observed at significant frequency in large population cohorts (gnomAD); Also known as 349C>T; This variant is associated with the following publications: (PMID: 10923033, 32377563, 29884841, 33471991, 30883759)

Mayo Clinic Laboratories, Mayo Clinic
Classification: Uncertain significance. Last evaluated: 2024-04-05. Review status: criteria provided, single submitter. Criteria: ACMG Guidelines, 2015. Collection method: clinical testing. Allele origin: germline. Observed: 1 variant allele. Not counted in ClinVar's aggregate classification.
Comment: BP4

Ambry Genetics
Classification: Likely benign for Hereditary cancer-predisposing syndrome. Last evaluated: 2024-02-07. Review status: criteria provided, single submitter. Criteria: Ambry Variant Classification Scheme 2023. Collection method: clinical testing. Allele origin: germline. Not counted in ClinVar's aggregate classification.

Baylor Genetics
Classification: Uncertain significance for Familial cancer of breast. Last evaluated: 2023-12-29. Review status: criteria provided, single submitter. Criteria: ACMG Guidelines, 2015. Collection method: clinical testing. Allele origin: unknown. Not counted in ClinVar's aggregate classification.

All of Us Research Program, National Institutes of Health
Classification: Uncertain significance for Breast-ovarian cancer, familial, susceptibility to, 2. Last evaluated: 2023-05-16. Review status: criteria provided, single submitter. Criteria: ACMG Guidelines, 2015. Collection method: clinical testing. Allele origin: germline. Inheritance: Autosomal dominant inheritance. Observed: 1 variant allele, 1 heterozygote. Not counted in ClinVar's aggregate classification.
Comment: This missense variant replaces proline with serine at codon 41 of the BRCA2 protein. Computational prediction tool suggests that this variant may not impact protein structure and function (internally defined REVEL score threshold <=0.5, PMID: 27666373). To our knowledge, functional studies have not been performed for this variant. In a large breast cancer case-control study conducted by the BRIDGES consortium, this variant was reported in 1/60466 cases and 1/53461 unaffected controls (PMID: 33471991; Leiden Open Variation Database DB-ID BRCA2_003382). This variant has been identified in 1/251254 chromosomes in the general population by the Genome Aggregation Database (gnomAD). The available evidence is insufficient to determine the role of this variant in disease conclusively. Therefore, this variant is classified as a Variant of Uncertain Significance.

This study involves interpretation of variants in research participants for the purpose of population health screening. Participant phenotype was not available at the time of variant classification. Additional details can be found in publication PMID: 35346344, PMCID: PMC8962531

Laboratory of Molecular Epidemiology of Birth Defects, West China Second University Hospital, Sichuan University
Classification: Likely pathogenic for Ovarian cancer. Last evaluated: 2022-01-01. Review status: criteria provided, single submitter. Criteria: ACMG Guidelines, 2015. Collection method: clinical testing. Allele origin: germline. Affected: yes. Not counted in ClinVar's aggregate classification.

CeGaT Center for Human Genetics Tuebingen
Classification: Uncertain significance. Last evaluated: 2019-11-01. Review status: criteria provided, single submitter. Criteria: CeGaT Center For Human Genetics Tuebingen Variant Classification Criteria Version 2. Collection method: clinical testing. Allele origin: germline. Affected: yes. Observed: 1 variant allele. Not counted in ClinVar's aggregate classification.

Breast Cancer Information Core (BIC) (BRCA2)
Classification: Uncertain significance for Breast-ovarian cancer, familial 2. Last evaluated: 2004-02-20. Review status: no assertion criteria provided. Collection method: clinical testing. Allele origin: germline. Affected: yes. Observed: 1 variant allele. Not counted in ClinVar's aggregate classification.

Literature cited by the submitters: PubMed 33471991 (cited by Color Diagnostics, LLC DBA Color Health and All of Us Research Program, National Institutes of Health); PubMed 40413188 (cited by Color Diagnostics, LLC DBA Color Health); PubMed 17924331 (cited by Women's Health and Genetics/Laboratory Corporation of America, LabCorp); PubMed 30883759 (cited by Women's Health and Genetics/Laboratory Corporation of America, LabCorp); PubMed 32641407 (cited by Women's Health and Genetics/Laboratory Corporation of America, LabCorp); PubMed 35979650 (cited by Women's Health and Genetics/Laboratory Corporation of America, LabCorp).